The following is an entry in ClinVar:

NM_001204.7(BMPR2):c.1285_1286insGATTG (p.Val429fs)

Gene: BMPR2 (bone morphogenetic protein receptor type 2; plus strand). Cytogenetic location: 2q33.2.
Variant type: Insertion.
Coding change: c.1285_1286insGATTG on transcript NM_001204.7 (MANE Select); coding-DNA positions 1285 to 1286, GATTG inserted.
Protein change: p.Val429fs; shifts the reading frame from valine 429.
Molecular consequence: frameshift variant.
Genome position: GRCh38 VCF-style: chr2-202542318-C-CGGATT. GRCh37 (hg19) VCF-style: chr2-203407041-C-CGGATT.
Other names: short protein forms V429fs.
Identifiers: ClinVar variation 2626905 (VCV002626905.1), dbSNP rs2468722719, ClinGen allele CA2582342052.

ClinVar aggregate classification (germline): Likely pathogenic (1 of 4 stars; one submission).

Conditions:
Pulmonary hypertension, primary, 1 (PPH1). Also called: Pulmonary hypertension, familial primary, 1, with or without HHT. Identifiers: Orphanet 422, MedGen C4552070, MONDO:0024533, OMIM 178600.

Submission:

Greenwood Genetic Center Diagnostic Laboratories, Greenwood Genetic Center
Classification: Likely pathogenic for Pulmonary hypertension, primary, 1. Last evaluated: 2023-08-25. Review status: criteria provided, single submitter. Criteria: ACMG Guidelines, 2015. Collection method: clinical testing. Allele origin: germline. Affected: yes.
Comment: PVS1, PM2